The following is an entry in ClinVar:

NM_018136.5(ASPM):c.4115ATT[1] (p.Tyr1373del)

Gene: ASPM (assembly factor for spindle microtubules; minus strand). Cytogenetic location: 1q31.3.
Variant type: Microsatellite.
Coding change: c.4115ATT[1] on transcript NM_018136.5 (MANE Select); one copy of the 3-base unit ATT starting at c.4115; the reference has two copies in a row; one copy, 3 bases deleted; also written c.4118_4120del.
Protein change: p.Tyr1373del; deletes tyrosine 1373.
Molecular consequence: inframe deletion. On other transcripts: intron variant (1).
Genome position (GRCh38, 1-based): chr1:197,105,131-197,105,133, AAT deleted on the plus strand (ATT on the coding strand, the reverse complement: ASPM is on the minus strand); deleting any 3 consecutive bases within chr1:197,105,131-197,105,137 gives the same sequence; the position shown is the placement nearest the transcript's 3' end. VCF-style (leftmost placement, unchanged base first): chr1-197105130-GAAT-G. GRCh37 (hg19) VCF-style: chr1-197074260-GAAT-G.
Other names: c.4066-8969_4066-8967del (NM_001206846.2); c.4118_4120delATT (NM_018136.4); c.4118_4120del (NM_018136.5); short protein forms Y1373del.
Identifiers: ClinVar variation 157817 (VCV000157817.28), dbSNP rs587783241, ClinGen allele CA271037.

ClinVar aggregate classification (germline): Conflicting classifications of pathogenicity. Review status: criteria provided, conflicting classifications (1 of 4 stars). 9 submissions from 9 submitters: Uncertain significance (6); Likely benign (3). Last evaluated 2026-01-04.

Conditions:
Inborn genetic diseases. Identifiers: MedGen C0950123, MeSH D030342.
Microcephaly 5, primary, autosomal recessive (MCPH5). Also called: ASPM Primary Microcephaly. Identifiers: Orphanet 2512, MedGen C1837501, MONDO:0012106, OMIM 608716.

Submissions (9):

Labcorp Genetics (formerly Invitae), Labcorp
Classification: Likely benign. Last evaluated: 2026-01-04. Review status: criteria provided, single submitter. Criteria: Invitae Variant Classification Sherloc (09022015). Collection method: clinical testing. Allele origin: germline.

GeneDx
Classification: Uncertain significance. Last evaluated: 2025-10-03. Review status: criteria provided, single submitter. Criteria: GeneDx Variant Classification Process June 2021. Collection method: clinical testing. Allele origin: germline. Affected: yes.
Comment: Previously reported in a patient with a second ASPM variant, however clinical and segregation information were not provided on this individual (PMID: 33726816); Identified in a patient with a second ASPM variant with global developmental delay and abnormal brain imaging, who also harbored a second pair of variants in a different gene (PMID: 38374194); In-frame deletion of 1 amino acid in a non-repeat region; In silico analysis supports a deleterious effect on protein structure/function; This variant is associated with the following publications: (PMID: 33726816, 38374194)

Athena Diagnostics
Classification: Likely benign. Last evaluated: 2024-10-02. Review status: criteria provided, single submitter. Criteria: Athena Diagnostics Criteria. Collection method: clinical testing. Allele origin: unknown.

Blueprint Genetics
Classification: Uncertain significance. Last evaluated: 2024-08-27. Review status: criteria provided, single submitter. Criteria: ACMG Guidelines, 2015. Collection method: clinical testing. Allele origin: germline.

Revvity Omics, Revvity
Classification: Uncertain significance for Microcephaly 5, primary, autosomal recessive. Last evaluated: 2021-11-11. Review status: criteria provided, single submitter. Criteria: ACMG Guidelines, 2015. Collection method: clinical testing. Allele origin: germline.

Ambry Genetics
Classification: Likely benign for Inborn genetic diseases. Last evaluated: 2021-08-01. Review status: criteria provided, single submitter. Criteria: Ambry Variant Classification Scheme 2023. Collection method: clinical testing. Allele origin: germline.

New York Genome Center
Classification: Uncertain significance for Microcephaly 5, primary, autosomal recessive. Last evaluated: 2020-05-29. Review status: criteria provided, single submitter. Criteria: NYGC Assertion Criteria 2020. Collection method: clinical testing. Allele origin: germline. Observed: 1 heterozygote. Study: CSER-NYCKidSeq.

Eurofins Ntd Llc (ga)
Classification: Uncertain significance. Last evaluated: 2016-12-29. Review status: criteria provided, single submitter. Criteria: EGL Classification Definitions 2015. Collection method: clinical testing. Allele origin: germline. Observed: 1 variant allele, 1 heterozygote.

Genetic Services Laboratory, University of Chicago
Classification: Uncertain significance for Microcephaly 5, primary, autosomal recessive. Last evaluated: 2013-02-08. Review status: criteria provided, single submitter. Criteria: ACMG Guidelines, 2007. Collection method: clinical testing. Allele origin: germline. Inheritance: Autosomal recessive inheritance.

Literature cited by the submitters: PubMed 33726816 (cited by Athena Diagnostics); PubMed 38374194 (cited by Athena Diagnostics).